The following is an entry in ClinVar:

ClinVar aggregate classification (germline): Uncertain significance. Review status: criteria provided, multiple submitters, no conflicts (2 of 4 stars). 2 submissions from 2 submitters: Uncertain significance (2). Last evaluated 2025-08-29.

Conditions:
Spondylocarpotarsal synostosis syndrome (SCT). Also called: SPONDYLOCARPOTARSAL SYNDROME; VERTEBRAL FUSION WITH CARPAL COALITION; Synspondylism congenital; Scoliosis, congenital with unilateral unsegmented bar; Spondylocarpotarsal Synostosis Syndrome (FLNB-SCT). Identifiers: Orphanet 3275, MedGen C1848934, MONDO:0010094, OMIM 272460.
Atelosteogenesis type I. Also called: GIANT CELL CHONDRODYSPLASIA; SPONDYLOHUMEROFEMORAL HYPOPLASIA; Atelosteogenesis Type 1 (FLNB-AO1). Identifiers: Orphanet 1190, MedGen C0265283, MONDO:0007167, OMIM 108720.
Boomerang dysplasia. Identifiers: Orphanet 1263, MedGen C0432201, MONDO:0007208, OMIM 112310.
Atelosteogenesis type III. Also called: Atelosteogenesis Type 3 (FLNB-AO3). Identifiers: Orphanet 56305, MedGen C3668942, MONDO:0007168, OMIM 108721.
Larsen syndrome (LRS). Also called: Bilateral dislocation of the knees, pes cavus, cylindrically shaped fingers and characteristic facies; Larsen syndrome (FLNB-LS). Identifiers: Orphanet 503, MedGen C0175778, MONDO:0007875, OMIM 150250. Disease mechanism: loss of function.

Allele frequency attached by ClinVar (database versions not stated): TOPMed 0.00001; gnomAD 0.00003.
gnomAD v4.1: 37 of 1,506,636 alleles (0.0025%); highest among the groups gnomAD compares: Non-Finnish European, 0.0033%; no homozygotes.

Submissions (2):

Labcorp Genetics (formerly Invitae), Labcorp
Classification: Uncertain significance. Last evaluated: 2025-08-29. Review status: criteria provided, single submitter. Criteria: Invitae Variant Classification Sherloc (09022015). Collection method: clinical testing. Allele origin: germline.
Comment: This sequence change falls in intron 21 of the FLNB gene. It does not directly change the encoded amino acid sequence of the FLNB protein. It affects a nucleotide within the consensus splice site. This variant is not present in population databases (gnomAD no frequency). This variant has not been reported in the literature in individuals affected with FLNB-related conditions. ClinVar contains an entry for this variant (Variation ID: 1480598). Variants that disrupt the consensus splice site are a relatively common cause of aberrant splicing (PMID: 17576681, 9536098). Algorithms developed to predict the effect of sequence changes on RNA splicing suggest that this variant is not likely to affect RNA splicing. In summary, the available evidence is currently insufficient to determine the role of this variant in disease. Therefore, it has been classified as a Variant of Uncertain Significance.

Fulgent Genetics
Classification: Uncertain significance for Atelosteogenesis type I; Atelosteogenesis type III; Boomerang dysplasia; Larsen syndrome; Spondylocarpotarsal synostosis syndrome. Last evaluated: 2021-07-22. Review status: criteria provided, single submitter. Criteria: ACMG Guidelines, 2015. Collection method: clinical testing. Allele origin: unknown.

Literature cited by the submitters: PubMed 17576681 (cited by Labcorp Genetics (formerly Invitae), Labcorp); PubMed 9536098 (cited by Labcorp Genetics (formerly Invitae), Labcorp).

NM_001457.4(FLNB):c.3724+4G>C

Gene: FLNB (filamin B; plus strand). Cytogenetic location: 3p14.3.
Variant type: single nucleotide variant.
Coding change: c.3724+4G>C on transcript NM_001457.4 (MANE Select); 4 bases into the intron after coding-DNA position 3724, G replaced by C.
Molecular consequence: intron variant.
Genome position (GRCh38, 1-based): chr3:58,123,694, G>C. VCF-style: chr3-58123694-G-C. GRCh37 (hg19) VCF-style: chr3-58109421-G-C.
Other names: c.3724+4G>C (NM_001164317.2, NM_001164318.2, NM_001164319.2).
Identifiers: ClinVar variation 1480598 (VCV001480598.7), dbSNP rs993620203, ClinGen allele CA75447904.
Genomic context (GRCh38, chr3:58,123,694, plus strand): 5'-AGCCCGCCGTGGACACCAGCAGGATCAAAGTCTTTGGACCAGGAATAGAAGGGAAAGGTG[G>C]GTTTCATTTAAAAAAAAAAAAAAAAAAAAAAAGACAAGCTGGGACTTAAGGGCTACCTGA-3'